The following is an entry in ClinVar:

NM_182972.3(IRF2BP2):c.225C>T (p.Ala75=)

Genes: IRF2BP2 (interferon regulatory factor 2 binding protein 2; minus strand), LOC129932812 (ATAC-STARR-seq lymphoblastoid silent region 1977; plus strand). Cytogenetic location: 1q42.3.
Variant type: single nucleotide variant.
Coding change: c.225C>T on transcript NM_182972.3 (MANE Select); coding-DNA position 225, C replaced by T.
Protein change: p.Ala75=; no amino-acid change (alanine 75 retained).
Molecular consequence: synonymous variant.
Genome position (GRCh38, 1-based): chr1:234,609,270, G>A on the plus strand (C>T on the coding strand, the complement: IRF2BP2 is on the minus strand). VCF-style: chr1-234609270-G-A. GRCh37 (hg19) VCF-style: chr1-234745016-G-A.
Other names: c.225C>T (NM_182972.2); c.225C>T, p.Ala75= (NM_001077397.1).
Identifiers: ClinVar variation 1115835 (VCV001115835.43), dbSNP rs758144487, ClinGen allele CA1461881.

ClinVar aggregate classification (germline): Likely benign. Review status: criteria provided, multiple submitters, no conflicts (2 of 4 stars). 4 submissions from 4 submitters: Likely benign (3). 1 of the submissions does not count toward it. Last evaluated 2026-02-01.

Conditions:
IRF2BP2-related disorder. Also called: IRF2BP2-related condition.

Allele frequency attached by ClinVar (database versions not stated): gnomAD exomes 0.00018 and 0.00021; TOPMed 0.00027; gnomAD 0.00030 and 0.00032.

Submissions (4):

Labcorp Genetics (formerly Invitae), Labcorp
Classification: Likely benign. Last evaluated: 2026-02-01. Review status: criteria provided, single submitter. Criteria: Invitae Variant Classification Sherloc (09022015). Collection method: clinical testing. Allele origin: germline.

Blueprint Genetics
Classification: Likely benign. Last evaluated: 2024-11-04. Review status: criteria provided, single submitter. Criteria: ACMG Guidelines, 2015. Collection method: clinical testing. Allele origin: germline.

CeGaT Center for Human Genetics Tuebingen
Classification: Likely benign. Last evaluated: 2024-11-01. Review status: criteria provided, single submitter. Criteria: CeGaT Center For Human Genetics Tuebingen Variant Classification Criteria Version 2. Collection method: clinical testing. Allele origin: germline. Affected: yes. Observed: 2 variant alleles.
Comment: IRF2BP2: BP4, BP7

PreventionGenetics, part of Exact Sciences
Classification: Likely benign for IRF2BP2-related condition. Last evaluated: 2023-06-30. Review status: no assertion criteria provided. Collection method: clinical testing. Allele origin: germline. Not counted in ClinVar's aggregate classification.
Comment: This variant is classified as likely benign based on ACMG/AMP sequence variant interpretation guidelines (Richards et al. 2015 PMID: 25741868, with internal and published modifications).